The following is an entry in ClinVar:

ClinVar aggregate classification (germline): Uncertain significance (1 of 4 stars; one submission).

Submission:

Labcorp Genetics (formerly Invitae), Labcorp
Classification: Uncertain significance. Last evaluated: 2025-11-10. Review status: criteria provided, single submitter. Criteria: Invitae Variant Classification Sherloc (09022015). Collection method: clinical testing. Allele origin: germline.
Comment: This sequence change replaces proline, which is neutral and non-polar, with serine, which is neutral and polar, at codon 884 of the HK1 protein (p.Pro884Ser). This variant is not present in population databases (gnomAD no frequency). This variant has not been reported in the literature in individuals affected with HK1-related conditions. Invitae Evidence Modeling of protein sequence and biophysical properties (such as structural, functional, and spatial information, amino acid conservation, physicochemical variation, residue mobility, and thermodynamic stability) indicates that this missense variant is expected to disrupt HK1 protein function with a positive predictive value of 80%. In summary, the available evidence is currently insufficient to determine the role of this variant in disease. Therefore, it has been classified as a Variant of Uncertain Significance.

NM_000188.3(HK1):c.2650C>T (p.Pro884Ser)

Gene: HK1 (hexokinase 1; plus strand). Cytogenetic location: 10q22.1.
Variant type: single nucleotide variant.
Coding change: c.2650C>T on transcript NM_000188.3 (MANE Select); coding-DNA position 2650, C replaced by T.
Protein change: p.Pro884Ser; replaces proline 884 with serine.
Molecular consequence: missense variant. On other transcripts: non-coding transcript variant (2).
Genome position (GRCh38, 1-based): chr10:69,401,031, C>T. VCF-style: chr10-69401031-C-T. GRCh37 (hg19) VCF-style: chr10-71160787-C-T.
Other names: c.2614C>T, p.Pro872Ser (NM_033500.2); c.2647C>T, p.Pro883Ser (NM_033496.3, NM_001441139.1); c.2662C>T, p.Pro888Ser (NM_033497.3, NM_033498.3, NM_001322364.2 and 1 more transcripts); c.1642C>T, p.Pro548Ser (NM_001441153.1); c.2755C>T, p.Pro919Ser (NM_001322365.2); c.2566C>T, p.Pro856Ser (NM_001322366.1, NM_001441143.1); c.2554C>T, p.Pro852Ser (NM_001322367.1); c.2641C>T, p.Pro881Ser (NM_001441140.1, NM_001441141.1); and 9 more; short protein forms P548S, P646S, P671S, P762S, P856S, P881S, P883S, P806S.
Identifiers: ClinVar variation 4769114 (VCV004769114.1).